The following is an entry in ClinVar:

NM_005639.3(SYT1):c.628C>A (p.Gln210Lys)

Gene: SYT1 (synaptotagmin 1; plus strand). Cytogenetic location: 12q21.2.
Variant type: single nucleotide variant.
Coding change: c.628C>A on transcript NM_005639.3 (MANE Select); coding-DNA position 628, C replaced by A.
Protein change: p.Gln210Lys; replaces glutamine 210 with lysine.
Molecular consequence: missense variant.
Genome position (GRCh38, 1-based): chr12:79,296,222, C>A. VCF-style: chr12-79296222-C-A. GRCh37 (hg19) VCF-style: chr12-79690002-C-A.
Other names: c.628C>A, p.Gln210Lys (NM_001135805.2, NM_001135806.2, NM_001415938.1 and 2 more transcripts); c.619C>A, p.Gln207Lys (NM_001291901.2, NM_001415941.1, NM_001415942.1 and 1 more transcripts); short protein forms Q207K, Q210K.
Identifiers: ClinVar variation 3039337 (VCV003039337.2), dbSNP rs745632757, ClinGen allele CA240423946.

ClinVar aggregate classification (germline): Uncertain significance (0 of 4 stars; one submission).

Conditions:
SYT1-related disorder. Also called: SYT1-related condition.

gnomAD v4.1: 5 of 1,611,636 alleles (0.00031%); highest among the groups gnomAD compares: Non-Finnish European, 0.00042%; no homozygotes.

Submission:

PreventionGenetics, part of Exact Sciences
Classification: Uncertain significance for SYT1-related condition. Last evaluated: 2023-12-20. Review status: no assertion criteria provided. Collection method: clinical testing. Allele origin: germline.
Comment: The SYT1 c.628C>A variant is predicted to result in the amino acid substitution p.Gln210Lys. To our knowledge, this variant has not been reported in the literature or in a large population database, indicating this variant is rare. At this time, the clinical significance of this variant is uncertain due to the absence of conclusive functional and genetic evidence.